The following is an entry in ClinVar:

ClinVar aggregate classification (germline): Uncertain significance. Review status: criteria provided, multiple submitters, no conflicts (2 of 4 stars). 3 submissions from 3 submitters: Uncertain significance (2). 1 of the submissions does not count toward it. Last evaluated 2024-09-10.

Conditions:
Retinal dystrophy. Also called: Inherited retinal dystrophy. Identifiers: Orphanet 71862, MedGen C0854723, MeSH D058499, MONDO:0019118, HP:0000556.

gnomAD v4.1: 6 of 1,614,132 alleles (0.00037%); highest among the groups gnomAD compares: Non-Finnish European, 0.00051%; no homozygotes.

Submissions (3):

Labcorp Genetics (formerly Invitae), Labcorp
Classification: Uncertain significance. Last evaluated: 2024-09-10. Review status: criteria provided, single submitter. Criteria: Invitae Variant Classification Sherloc (09022015). Collection method: clinical testing. Allele origin: germline.
Comment: This sequence change creates a premature translational stop signal (p.Trp725*) in the CDHR1 gene. While this is not anticipated to result in nonsense mediated decay, it is expected to disrupt the last 135 amino acid(s) of the CDHR1 protein. This variant is not present in population databases (gnomAD no frequency). This premature translational stop signal has been observed in individual(s) with cone-rod dystrophy (external communications). This variant disrupts a region of the CDHR1 protein in which other variant(s) (p.Pro735Thr) have been observed in individuals with CDHR1-related conditions (PMID: 32681094). This suggests that this is a clinically significant region of the protein, and that variants that disrupt it are likely to be disease-causing. In summary, the available evidence is currently insufficient to determine the role of this variant in disease. Therefore, it has been classified as a Variant of Uncertain Significance.

Blueprint Genetics
Classification: Uncertain significance. Last evaluated: 2022-06-16. Review status: criteria provided, single submitter. Criteria: ACMG Guidelines, 2015. Collection method: clinical testing. Allele origin: germline.

Institute of Human Genetics, Univ. Regensburg, Univ. Regensburg
Classification: Likely pathogenic for Retinal dystrophy. Last evaluated: 2022-01-01. Review status: no assertion criteria provided. Criteria: ACMG Guidelines, 2015. Collection method: clinical testing. Allele origin: germline. Affected: yes. Not counted in ClinVar's aggregate classification.

Literature cited by the submitters: PubMed 32681094 (cited by Labcorp Genetics (formerly Invitae), Labcorp).

NM_033100.4(CDHR1):c.2175G>A (p.Trp725Ter)

Gene: CDHR1 (cadherin related family member 1; plus strand). Cytogenetic location: 10q23.1.
Variant type: single nucleotide variant.
Coding change: c.2175G>A on transcript NM_033100.4 (MANE Select); coding-DNA position 2175, G replaced by A.
Protein change: p.Trp725Ter; replaces tryptophan 725 with a stop codon.
Molecular consequence: nonsense. On other transcripts: intron variant (1).
Genome position (GRCh38, 1-based): chr10:84,214,216, G>A. VCF-style: chr10-84214216-G-A. GRCh37 (hg19) VCF-style: chr10-85973972-G-A.
Other names: c.2040+868G>A (NM_001171971.3); short protein forms W725*.
Identifiers: ClinVar variation 3249406 (VCV003249406.4).
Genomic context (GRCh38, chr10:84,214,216, plus strand): 5'-GGCCGGCACCATGGCCACCGTCGTGGCCATCACTGTCCTCATCTCCACCGCCACCTTCTG[G>A]CGCAACAAGAAGTCTAACAAGGTCCTGCCAATGCGGCGGGTGCTCCGCAAGCGGCCCAGC-3'